The following is an entry in ClinVar:

ClinVar aggregate classification (germline): Uncertain significance (1 of 4 stars; one submission).

Conditions:
Hereditary cancer-predisposing syndrome. Also called: Neoplastic Syndromes, Hereditary; Tumor predisposition; Hereditary neoplastic syndrome; Hereditary Cancer Syndrome. Identifiers: Orphanet 140162, MedGen C0027672, MeSH D009386, MONDO:0015356.

Submission:

Ambry Genetics
Classification: Uncertain significance for Hereditary cancer-predisposing syndrome. Last evaluated: 2026-07-06. Review status: criteria provided, single submitter. Criteria: Ambry Variant Classification Scheme 2023. Collection method: clinical testing. Allele origin: germline.
Comment: The p.P215A variant (also known as c.643C>G), located in coding exon 6 of the SMARCB1 gene, results from a C to G substitution at nucleotide position 643. The proline at codon 215 is replaced by alanine, an amino acid with highly similar properties. This amino acid position is conserved. In addition, this alteration is predicted to be deleterious by in silico analysis. Based on the available evidence, the clinical significance of this variant remains unclear.

NM_003073.5(SMARCB1):c.643C>G (p.Pro215Ala)

Gene: SMARCB1 (SWI/SNF related BAF chromatin remodeling complex subunit B1; plus strand). Cytogenetic location: 22q11.23.
Variant type: single nucleotide variant.
Coding change: c.643C>G on transcript NM_003073.5 (MANE Select); coding-DNA position 643, C replaced by G.
Protein change: p.Pro215Ala; replaces proline 215 with alanine.
Molecular consequence: missense variant.
Genome position (GRCh38, 1-based): chr22:23,816,784, C>G. VCF-style: chr22-23816784-C-G. GRCh37 (hg19) VCF-style: chr22-24158971-C-G.
Other names: c.616C>G, p.Pro206Ala (NM_001007468.3); c.670C>G, p.Pro224Ala (NM_001317946.2); c.697C>G, p.Pro233Ala (NM_001362877.2); short protein forms P215A, P224A, P233A, P206A.
Identifiers: ClinVar variation 5029925 (VCV005029925.1).